The following is an entry in ClinVar:

ClinVar aggregate classification (germline): Uncertain significance. Review status: criteria provided, multiple submitters, no conflicts (2 of 4 stars). 2 submissions from 2 submitters: Uncertain significance (2). Last evaluated 2022-05-14.

Conditions:
Hereditary cancer-predisposing syndrome. Also called: Hereditary neoplastic syndrome; Tumor predisposition; Neoplastic Syndromes, Hereditary; Hereditary Cancer Syndrome. Identifiers: Orphanet 140162, MedGen C0027672, MeSH D009386, MONDO:0015356.
Cardiovascular phenotype. Identifiers: MedGen CN230736.
Neurofibromatosis, type 1 (NF1). Also called: Peripheral type neurofibromatosis; VON RECKLINGHAUSEN DISEASE; NEUROFIBROMATOSIS, TYPE I, SOMATIC; Neurofibromatosis, type I. Identifiers: Orphanet 636, MedGen C0027831, MONDO:0018975, OMIM 162200. Disease mechanism: loss of function.

Submissions (2):

Ambry Genetics
Classification: Uncertain significance for Cardiovascular phenotype; Hereditary cancer-predisposing syndrome. Last evaluated: 2022-05-14. Review status: criteria provided, single submitter. Criteria: Ambry Variant Classification Scheme 2023. Collection method: clinical testing. Allele origin: germline.
Comment: The p.Y2161C variant (also known as c.6482A>G), located in coding exon 42 of the NF1 gene, results from an A to G substitution at nucleotide position 6482. The tyrosine at codon 2161 is replaced by cysteine, an amino acid with highly dissimilar properties. This amino acid position is conserved. In addition, the in silico prediction for this alteration is inconclusive. Since supporting evidence is limited at this time, the clinical significance of this alteration remains unclear.

Labcorp Genetics (formerly Invitae), Labcorp
Classification: Uncertain significance for Neurofibromatosis, type 1. Last evaluated: 2019-08-25. Review status: criteria provided, single submitter. Criteria: Invitae Variant Classification Sherloc (09022015). Collection method: clinical testing. Allele origin: germline.
Comment: This sequence change replaces tyrosine with cysteine at codon 2161 of the NF1 protein (p.Tyr2161Cys). The tyrosine residue is moderately conserved and there is a large physicochemical difference between tyrosine and cysteine. This variant is not present in population databases (ExAC no frequency). This variant has not been reported in the literature in individuals with NF1-related conditions. Algorithms developed to predict the effect of missense changes on protein structure and function are either unavailable or do not agree on the potential impact of this missense change (SIFT: "Deleterious"; PolyPhen-2: "Probably Damaging"; Align-GVGD: "Class C0"). In summary, the available evidence is currently insufficient to determine the role of this variant in disease. Therefore, it has been classified as a Variant of Uncertain Significance.

NM_001042492.3(NF1):c.6545A>G (p.Tyr2182Cys)

Gene: NF1 (neurofibromin 1; plus strand). Cytogenetic location: 17q11.2.
Variant type: single nucleotide variant.
Coding change: c.6545A>G on transcript NM_001042492.3 (MANE Select); coding-DNA position 6545, A replaced by G.
Protein change: p.Tyr2182Cys; replaces tyrosine 2182 with cysteine.
Molecular consequence: missense variant.
Genome position (GRCh38, 1-based): chr17:31,337,485, A>G. VCF-style: chr17-31337485-A-G. GRCh37 (hg19) VCF-style: chr17-29664503-A-G.
Other names: c.6482A>G, p.Tyr2161Cys (NM_000267.4); short protein forms Y2182C, Y2161C.
Identifiers: ClinVar variation 960848 (VCV000960848.9), dbSNP rs2069705839, ClinGen allele CA399013247.